The following is an entry in ClinVar:

ClinVar aggregate classification (germline): Uncertain significance (1 of 4 stars; one submission).

gnomAD v4.1: 5 of 1,613,200 alleles (0.00031%); highest among the groups gnomAD compares: Non-Finnish European, 0.00042%; no homozygotes.

Submission:

Ambry Genetics
Classification: Uncertain significance. Last evaluated: 2025-04-03. Review status: criteria provided, single submitter. Criteria: Ambry Variant Classification Scheme 2023. Collection method: clinical testing. Allele origin: germline.
Comment: The p.R93P variant (also known as c.278G>C), located in coding exon 2 of the GEN1 gene, results from a G to C substitution at nucleotide position 278. The arginine at codon 93 is replaced by proline, an amino acid with dissimilar properties. This amino acid position is conserved. In addition, this alteration is predicted to be deleterious by in silico analysis. Based on the available evidence, the clinical significance of this variant remains unclear.

NM_001130009.3(GEN1):c.278G>C (p.Arg93Pro)

Gene: GEN1 (GEN1 Holliday junction 5' flap endonuclease; plus strand). Cytogenetic location: 2p24.2.
Variant type: single nucleotide variant.
Coding change: c.278G>C on transcript NM_001130009.3 (MANE Select); coding-DNA position 278, G replaced by C.
Protein change: p.Arg93Pro; replaces arginine 93 with proline.
Molecular consequence: missense variant.
Genome position (GRCh38, 1-based): chr2:17,761,512, G>C. VCF-style: chr2-17761512-G-C. GRCh37 (hg19) VCF-style: chr2-17942779-G-C.
Other names: c.278G>C, p.Arg93Pro (NM_182625.5); short protein forms R93P.
Identifiers: ClinVar variation 4029192 (VCV004029192.1).